The following is an entry in ClinVar:

ClinVar aggregate classification (germline): Pathogenic (1 of 4 stars; one submission).

Conditions:
Kabuki syndrome. Also called: NIIKAWA-KUROKI SYNDROME; Kabuki make-up syndrome. Identifiers: Orphanet 2322, MedGen C0796004, MONDO:0016512.

Submission:

Labcorp Genetics (formerly Invitae), Labcorp
Classification: Pathogenic for Kabuki syndrome. Last evaluated: 2019-03-29. Review status: criteria provided, single submitter. Criteria: Invitae Variant Classification Sherloc (09022015). Collection method: clinical testing. Allele origin: germline.
Comment: For these reasons, this variant has been classified as Pathogenic. Loss-of-function variants in KMT2D are known to be pathogenic (PMID: 22126750). This variant has not been reported in the literature in individuals with KMT2D-related conditions. This variant is not present in population databases (ExAC no frequency). This sequence change creates a premature translational stop signal (p.Gln1717*) in the KMT2D gene. It is expected to result in an absent or disrupted protein product.

Literature cited by the submitters: PubMed 22126750.

NM_003482.4(KMT2D):c.5149C>T (p.Gln1717Ter)

Gene: KMT2D (lysine methyltransferase 2D; minus strand). Cytogenetic location: 12q13.12.
Variant type: single nucleotide variant.
Coding change: c.5149C>T on transcript NM_003482.4 (MANE Select); coding-DNA position 5149, C replaced by T.
Protein change: p.Gln1717Ter; replaces glutamine 1717 with a stop codon.
Molecular consequence: nonsense.
Genome position (GRCh38, 1-based): chr12:49,044,239, G>A on the plus strand (C>T on the coding strand, the complement: KMT2D is on the minus strand). VCF-style: chr12-49044239-G-A. GRCh37 (hg19) VCF-style: chr12-49438022-G-A.
Other names: short protein forms Q1717*.
Identifiers: ClinVar variation 860555 (VCV000860555.7), dbSNP rs1157281284, ClinGen allele CA384636341.
Genomic context (GRCh38, chr12:49,044,239, plus strand): 5'-TGGTGCCCTCACCCGTCTCACCCTCGTCGGGCTGCCCATCCCCACTCAACACCTCCGCCT[G>A]TGCAGCAGGCCCCTTTTTCGTGCGTGTGTGGGATTTCCGCTGTCGCACCATGAAACCACC-3'